The following is an entry in ClinVar:

ClinVar aggregate classification (germline): Uncertain significance (1 of 4 stars; one submission).

Conditions:
Primary dilated cardiomyopathy (DCM). Also called: Dilated Cardiomyopathy. Identifiers: Orphanet 217604, MedGen C0007193, MeSH D002311, MONDO:0005021, HP:0001644. Inheritance: Various modes of inheritance.

Allele frequency attached by ClinVar (database versions not stated): gnomAD 0.00001; gnomAD exomes 0.00001 and 0.00002; TOPMed 0.00001; ExAC 0.00003.
gnomAD v4.1: 20 of 1,611,448 alleles (0.0012%); highest among the groups gnomAD compares: East Asian, 0.0067%; no homozygotes.

Submission:

Labcorp Genetics (formerly Invitae), Labcorp
Classification: Uncertain significance for Primary dilated cardiomyopathy. Last evaluated: 2025-09-09. Review status: criteria provided, single submitter. Criteria: Invitae Variant Classification Sherloc (09022015). Collection method: clinical testing. Allele origin: germline.
Comment: This sequence change replaces valine, which is neutral and non-polar, with methionine, which is neutral and non-polar, at codon 494 of the TXNRD2 protein (p.Val494Met). This variant is present in population databases (rs762203465, gnomAD 0.009%). This variant has not been reported in the literature in individuals affected with TXNRD2-related conditions. ClinVar contains an entry for this variant (Variation ID: 1009293). Invitae Evidence Modeling of protein sequence and biophysical properties (such as structural, functional, and spatial information, amino acid conservation, physicochemical variation, residue mobility, and thermodynamic stability) indicates that this missense variant is not expected to disrupt TXNRD2 protein function with a negative predictive value of 80%. In summary, the available evidence is currently insufficient to determine the role of this variant in disease. Therefore, it has been classified as a Variant of Uncertain Significance.

NM_006440.5(TXNRD2):c.1480G>A (p.Val494Met)

Gene: TXNRD2 (thioredoxin reductase 2; minus strand). Cytogenetic location: 22q11.21.
Variant type: single nucleotide variant.
Coding change: c.1480G>A on transcript NM_006440.5 (MANE Select); coding-DNA position 1480, G replaced by A.
Protein change: p.Val494Met; replaces valine 494 with methionine.
Molecular consequence: missense variant. On other transcripts: non-coding transcript variant (1).
Genome position (GRCh38, 1-based): chr22:19,877,200, C>T on the plus strand (G>A on the coding strand, the complement: TXNRD2 is on the minus strand). VCF-style: chr22-19877200-C-T. GRCh37 (hg19) VCF-style: chr22-19864723-C-T.
Other names: c.1477G>A, p.Val493Met (NM_001352300.2); c.1390G>A, p.Val464Met (NM_001352301.2); c.1192G>A, p.Val398Met (NM_001352302.2); short protein forms V398M, V464M, V493M, V494M.
Identifiers: ClinVar variation 1009293 (VCV001009293.7), dbSNP rs762203465, ClinGen allele CA10103612.